The following is an entry in ClinVar:

NM_017755.6(NSUN2):c.2176G>A (p.Gly726Arg)

Gene: NSUN2 (NOP2/Sun RNA methyltransferase 2; minus strand). Cytogenetic location: 5p15.31.
Variant type: single nucleotide variant.
Coding change: c.2176G>A on transcript NM_017755.6 (MANE Select); coding-DNA position 2176, G replaced by A.
Protein change: p.Gly726Arg; replaces glycine 726 with arginine.
Molecular consequence: missense variant. On other transcripts: non-coding transcript variant (1).
Genome position (GRCh38, 1-based): chr5:6,600,054, C>T on the plus strand (G>A on the coding strand, the complement: NSUN2 is on the minus strand). VCF-style: chr5-6600054-C-T. GRCh37 (hg19) VCF-style: chr5-6600167-C-T.
Other names: c.2071G>A, p.Gly691Arg (NM_001193455.2); short protein forms G726R, G691R.
Identifiers: ClinVar variation 4123110 (VCV004123110.2).

ClinVar aggregate classification (germline): Uncertain significance. Review status: criteria provided, multiple submitters, no conflicts (2 of 4 stars). 2 submissions from 2 submitters: Uncertain significance (2). Last evaluated 2025-08-28.

Conditions:
Inborn genetic diseases. Identifiers: MedGen C0950123, MeSH D030342.

Submissions (2):

Ambry Genetics
Classification: Uncertain significance for Inborn genetic diseases. Last evaluated: 2025-08-28. Review status: criteria provided, single submitter. Criteria: Ambry Variant Classification Scheme 2023. Collection method: clinical testing. Allele origin: germline.

GeneDx
Classification: Uncertain significance. Last evaluated: 2025-07-11. Review status: criteria provided, single submitter. Criteria: GeneDx Variant Classification Process June 2021. Collection method: clinical testing. Allele origin: germline. Affected: yes.
Comment: In silico analysis suggests that this missense variant does not alter protein structure/function; Has not been previously published as pathogenic or benign to our knowledge